The following is an entry in ClinVar:

NM_000051.4(ATM):c.4006T>C (p.Phe1336Leu)

Gene: ATM (ATM serine/threonine kinase; plus strand). Cytogenetic location: 11q22.3.
Variant type: single nucleotide variant.
Coding change: c.4006T>C on transcript NM_000051.4 (MANE Select); coding-DNA position 4006, T replaced by C.
Protein change: p.Phe1336Leu; replaces phenylalanine 1336 with leucine.
Molecular consequence: missense variant.
Genome position (GRCh38, 1-based): chr11:108,287,612, T>C. VCF-style: chr11-108287612-T-C. GRCh37 (hg19) VCF-style: chr11-108158339-T-C.
Other names: c.4006T>C, p.Phe1336Leu (NM_001351834.2); short protein forms F1336L.
Identifiers: ClinVar variation 630066 (VCV000630066.16), dbSNP rs1565452452, ClinGen allele CA382527507.

ClinVar aggregate classification (germline): Uncertain significance. Review status: criteria provided, multiple submitters, no conflicts (2 of 4 stars). 6 submissions from 6 submitters: Uncertain significance (6). Last evaluated 2025-12-30.

Conditions:
Hereditary cancer-predisposing syndrome. Also called: Tumor predisposition; Neoplastic Syndromes, Hereditary; Hereditary Cancer Syndrome; Hereditary neoplastic syndrome. Identifiers: Orphanet 140162, MedGen C0027672, MeSH D009386, MONDO:0015356.
Familial cancer of breast. Also called: BREAST CANCER, FAMILIAL; Hereditary breast cancer; hereditary breast carcinoma. Identifiers: Orphanet 227535, MedGen C0346153, MONDO:0016419, OMIM 114480. Disease mechanism: loss of function.
Ataxia-telangiectasia syndrome (AT). Also called: ATAXIA-TELANGIECTASIA, COMPLEMENTATION GROUP A; ATAXIA-TELANGIECTASIA, FRESNO VARIANT; LOUIS-BAR SYNDROME; Ataxia telangiectasia (A-T); Cerebello-oculocutaneous telangiectasia; Immunodeficiency with ataxia telangiectasia. Identifiers: Orphanet 100, MedGen C0004135, MONDO:0008840, OMIM 208900.

Allele frequency attached by ClinVar (database versions not stated): gnomAD exomes below 0.00001.
gnomAD v4.1: 1 of 1,610,506 alleles (0.000062%); highest among the groups gnomAD compares: Non-Finnish European, 0.000085%; no homozygotes.

Submissions (6):

Labcorp Genetics (formerly Invitae), Labcorp
Classification: Uncertain significance for Ataxia-telangiectasia syndrome. Last evaluated: 2025-12-30. Review status: criteria provided, single submitter. Criteria: Invitae Variant Classification Sherloc (09022015). Collection method: clinical testing. Allele origin: germline.
Comment: This sequence change replaces phenylalanine, which is neutral and non-polar, with leucine, which is neutral and non-polar, at codon 1336 of the ATM protein (p.Phe1336Leu). This variant is not present in population databases (gnomAD no frequency). This variant has not been reported in the literature in individuals affected with ATM-related conditions. ClinVar contains an entry for this variant (Variation ID: 630066). Invitae Evidence Modeling of protein sequence and biophysical properties (such as structural, functional, and spatial information, amino acid conservation, physicochemical variation, residue mobility, and thermodynamic stability) indicates that this missense variant is not expected to disrupt ATM protein function with a negative predictive value of 95%. In summary, the available evidence is currently insufficient to determine the role of this variant in disease. Therefore, it has been classified as a Variant of Uncertain Significance.

Ambry Genetics
Classification: Uncertain significance for Hereditary cancer-predisposing syndrome. Last evaluated: 2024-12-06. Review status: criteria provided, single submitter. Criteria: Ambry Variant Classification Scheme 2023. Collection method: clinical testing. Allele origin: germline.
Comment: The p.F1336L variant (also known as c.4006T>C), located in coding exon 26 of the ATM gene, results from a T to C substitution at nucleotide position 4006. The phenylalanine at codon 1336 is replaced by leucine, an amino acid with highly similar properties. This amino acid position is not well conserved in available vertebrate species. In addition, this alteration is predicted to be tolerated by in silico analysis. Based on the available evidence, the clinical significance of this variant remains unclear.

Color Diagnostics, LLC DBA Color Health
Classification: Uncertain significance for Hereditary cancer-predisposing syndrome. Last evaluated: 2024-03-06. Review status: criteria provided, single submitter. Criteria: ACMG Guidelines, 2015. Collection method: clinical testing. Allele origin: germline.
Comment: This missense variant replaces phenylalanine with leucine at codon 1336 of the ATM protein. Computational prediction suggests that this variant may not impact protein structure and function (internally defined REVEL score threshold <= 0.5, PMID: 27666373). To our knowledge, functional studies have not been reported for this variant. This variant has not been reported in individuals affected with hereditary cancer in the literature. This variant has not been identified in the general population by the Genome Aggregation Database (gnomAD). The available evidence is insufficient to determine the role of this variant in disease conclusively. Therefore, this variant is classified as a Variant of Uncertain Significance.

Baylor Genetics
Classification: Uncertain significance for Familial cancer of breast. Last evaluated: 2023-09-21. Review status: criteria provided, single submitter. Criteria: ACMG Guidelines, 2015. Collection method: clinical testing. Allele origin: unknown.

GeneDx
Classification: Uncertain significance. Last evaluated: 2023-08-17. Review status: criteria provided, single submitter. Criteria: GeneDx Variant Classification Process June 2021. Collection method: clinical testing. Allele origin: germline. Affected: yes.
Comment: Not observed at significant frequency in large population cohorts (gnomAD); In silico analysis supports that this missense variant does not alter protein structure/function; Has not been previously published as pathogenic or benign to our knowledge

Department of Pathology and Laboratory Medicine, Sinai Health System
Classification: Uncertain significance for Familial cancer of breast. Last evaluated: 2023-05-01. Review status: criteria provided, single submitter. Criteria: ACMG Guidelines, 2015. Collection method: clinical testing. Allele origin: germline. Affected: yes.